The following is an entry in ClinVar:

NM_014003.4(DHX38):c.511+6C>G

Gene: DHX38 (DEAH-box helicase 38; plus strand). Cytogenetic location: 16q22.2.
Variant type: single nucleotide variant.
Coding change: c.511+6C>G on transcript NM_014003.4 (MANE Select); 6 bases into the intron after coding-DNA position 511, C replaced by G.
Molecular consequence: intron variant.
Genome position (GRCh38, 1-based): chr16:72,097,015, C>G. VCF-style: chr16-72097015-C-G. GRCh37 (hg19) VCF-style: chr16-72130914-C-G.
Identifiers: ClinVar variation 2119593 (VCV002119593.4), dbSNP rs1439515505, ClinGen allele CA723550275.

ClinVar aggregate classification (germline): Uncertain significance (1 of 4 stars; one submission).

Allele frequency attached by ClinVar (database versions not stated): TOPMed below 0.00001.
gnomAD v4.1: 11 of 1,609,020 alleles (0.00068%); highest among the groups gnomAD compares: Non-Finnish European, 0.00093%; no homozygotes.

Submission:

Labcorp Genetics (formerly Invitae), Labcorp
Classification: Uncertain significance. Last evaluated: 2022-06-04. Review status: criteria provided, single submitter. Criteria: Invitae Variant Classification Sherloc (09022015). Collection method: clinical testing. Allele origin: germline.
Comment: In summary, the available evidence is currently insufficient to determine the role of this variant in disease. Therefore, it has been classified as a Variant of Uncertain Significance. Variants that disrupt the consensus splice site are a relatively common cause of aberrant splicing (PMID: 17576681, 9536098). Algorithms developed to predict the effect of sequence changes on RNA splicing suggest that this variant is not likely to affect RNA splicing. This variant has not been reported in the literature in individuals affected with DHX38-related conditions. This variant is not present in population databases (gnomAD no frequency). This sequence change falls in intron 3 of the DHX38 gene. It does not directly change the encoded amino acid sequence of the DHX38 protein. It affects a nucleotide within the consensus splice site.

Literature cited by the submitters: PubMed 17576681; PubMed 9536098.